The following is an entry in ClinVar:

ClinVar aggregate classification (germline): Uncertain significance (1 of 4 stars; one submission).

Conditions:
Epilepsy, X-linked 1, with variable learning disabilities and behavior disorders. Also called: X-linked epilepsy-learning disabilities-behavior disorders syndrome. Identifiers: Orphanet 85294, MedGen C5774177, MONDO:0010339, OMIM 300491.

Submission:

Labcorp Genetics (formerly Invitae), Labcorp
Classification: Uncertain significance for Epilepsy, X-linked 1, with variable learning disabilities and behavior disorders. Last evaluated: 2024-10-31. Review status: criteria provided, single submitter. Criteria: Invitae Variant Classification Sherloc (09022015). Collection method: clinical testing. Allele origin: germline.
Comment: This sequence change replaces alanine, which is neutral and non-polar, with threonine, which is neutral and polar, at codon 546 of the SYN1 protein (p.Ala546Thr). The frequency data for this variant in the population databases is considered unreliable, as metrics indicate insufficient coverage at this position in the gnomAD database. This variant has not been reported in the literature in individuals affected with SYN1-related conditions. An algorithm developed to predict the effect of missense changes on protein structure and function outputs the following: PolyPhen-2: "Not Available". The threonine amino acid residue is found in multiple mammalian species, which suggests that this missense change does not adversely affect protein function. In summary, the available evidence is currently insufficient to determine the role of this variant in disease. Therefore, it has been classified as a Variant of Uncertain Significance.

NM_006950.3(SYN1):c.1636G>A (p.Ala546Thr)

Gene: SYN1 (synapsin I; minus strand). Cytogenetic location: Xp11.3.
Variant type: single nucleotide variant.
Coding change: c.1636G>A on transcript NM_006950.3 (MANE Select); coding-DNA position 1636, G replaced by A.
Protein change: p.Ala546Thr; replaces alanine 546 with threonine.
Molecular consequence: missense variant.
Genome position (GRCh38, 1-based): chrX:47,574,348, C>T on the plus strand (G>A on the coding strand, the complement: SYN1 is on the minus strand). VCF-style: chrX-47574348-C-T. GRCh37 (hg19) VCF-style: chrX-47433747-C-T.
Other names: c.1636G>A, p.Ala546Thr (NM_133499.2); short protein forms A546T.
Identifiers: ClinVar variation 3680071 (VCV003680071.2).
Genomic context (GRCh38, chrX:47,574,348, plus strand): 5'-GACGGGTAGCCTGTGGGGGGCCCGCCTGGCGCTGGGGAGACGGAGAGGCGGGCGGGCGGG[C>T]TGCTGGAGGCGCCCCGGGGCCTCCCGCCACTGGCCGGGATTGGCGGCCTTGACCCTGGGT-3'
Protein context (NP_008881.2, residues 536-556): VAGGPGAPPA[Ala546Thr]RPPASPSPQR